The following is an entry in ClinVar:

NM_022829.6(SLC13A3):c.878G>C (p.Gly293Ala)

Gene: SLC13A3 (solute carrier family 13 member 3; minus strand). Cytogenetic location: 20q13.12.
Variant type: single nucleotide variant.
Coding change: c.878G>C on transcript NM_022829.6 (MANE Select); coding-DNA position 878, G replaced by C.
Protein change: p.Gly293Ala; replaces glycine 293 with alanine.
Molecular consequence: missense variant.
Genome position (GRCh38, 1-based): chr20:46,592,446, C>G on the plus strand (G>C on the coding strand, the complement: SLC13A3 is on the minus strand). VCF-style: chr20-46592446-C-G. GRCh37 (hg19) VCF-style: chr20-45221085-C-G.
Other names: c.737G>C, p.Gly246Ala (NM_001011554.3, NM_001193340.2); c.728G>C, p.Gly243Ala (NM_001193339.2); c.584G>C, p.Gly195Ala (NM_001193342.2); short protein forms G293A, G243A, G246A, G195A.
Identifiers: ClinVar variation 1957965 (VCV001957965.5), dbSNP rs1306807167, ClinGen allele CA409264710.

ClinVar aggregate classification (germline): Uncertain significance (1 of 4 stars; one submission).

gnomAD v4.1: 1 of 1,613,888 alleles (0.000062%); highest among the groups gnomAD compares: Middle Eastern, 0.017%; no homozygotes.

Submission:

Labcorp Genetics (formerly Invitae), Labcorp
Classification: Uncertain significance. Last evaluated: 2024-09-23. Review status: criteria provided, single submitter. Criteria: Invitae Variant Classification Sherloc (09022015). Collection method: clinical testing. Allele origin: germline.
Comment: This sequence change replaces glycine, which is neutral and non-polar, with alanine, which is neutral and non-polar, at codon 293 of the SLC13A3 protein (p.Gly293Ala). This variant is not present in population databases (gnomAD no frequency). This variant has not been reported in the literature in individuals affected with SLC13A3-related conditions. ClinVar contains an entry for this variant (Variation ID: 1957965). An algorithm developed to predict the effect of missense changes on protein structure and function outputs the following: PolyPhen-2: "Benign". The alanine amino acid residue is found in multiple mammalian species, which suggests that this missense change does not adversely affect protein function. In summary, the available evidence is currently insufficient to determine the role of this variant in disease. Therefore, it has been classified as a Variant of Uncertain Significance.